The following is an entry in ClinVar:

NM_015978.3(TNNI3K):c.152C>T (p.Ser51Phe)

Genes: FPGT-TNNI3K (FPGT-TNNI3K readthrough; plus strand), TNNI3K (TNNI3 interacting kinase; plus strand). Cytogenetic location: 1p31.1.
Variant type: single nucleotide variant.
Coding change: c.152C>T on transcript NM_015978.3 (MANE Select); coding-DNA position 152, C replaced by T.
Protein change: p.Ser51Phe; replaces serine 51 with phenylalanine.
Molecular consequence: missense variant.
Genome position (GRCh38, 1-based): chr1:74,249,461, C>T. VCF-style: chr1-74249461-C-T. GRCh37 (hg19) VCF-style: chr1-74715145-C-T.
Other names: c.455C>T, p.Ser152Phe (NM_001112808.3, NM_001199327.2); c.494C>T (NM_001112808.2); short protein forms S51F, S152F.
Identifiers: ClinVar variation 2085205 (VCV002085205.5), dbSNP rs2524363907, ClinGen allele CA340787888.

ClinVar aggregate classification (germline): Uncertain significance. Review status: criteria provided, multiple submitters, no conflicts (2 of 4 stars). 2 submissions from 2 submitters: Uncertain significance (2). Last evaluated 2025-01-17.

Allele frequency attached by ClinVar (database versions not stated): gnomAD exomes below 0.00001.
gnomAD v4.1: 1 of 1,611,230 alleles (0.000062%); highest among the groups gnomAD compares: East Asian, 0.0022%; no homozygotes.

Submissions (2):

Ambry Genetics
Classification: Uncertain significance. Last evaluated: 2025-01-17. Review status: criteria provided, single submitter. Criteria: Ambry Variant Classification Scheme 2023. Collection method: clinical testing. Allele origin: germline.

Labcorp Genetics (formerly Invitae), Labcorp
Classification: Uncertain significance. Last evaluated: 2022-01-16. Review status: criteria provided, single submitter. Criteria: Invitae Variant Classification Sherloc (09022015). Collection method: clinical testing. Allele origin: germline.
Comment: This sequence change replaces serine, which is neutral and polar, with phenylalanine, which is neutral and non-polar, at codon 51 of the TNNI3K protein (p.Ser51Phe). This variant has not been reported in the literature in individuals affected with TNNI3K-related conditions. This variant is not present in population databases (gnomAD no frequency). Algorithms developed to predict the effect of missense changes on protein structure and function are either unavailable or do not agree on the potential impact of this missense change (SIFT: "Deleterious"; PolyPhen-2: "Benign"; Align-GVGD: "Class C15"). In summary, the available evidence is currently insufficient to determine the role of this variant in disease. Therefore, it has been classified as a Variant of Uncertain Significance.